The following is an entry in ClinVar:

ClinVar aggregate classification (germline): Benign (1 of 4 stars; one submission).

Allele frequency attached by ClinVar (database versions not stated): gnomAD 0.02470 and 0.02633; TOPMed 0.02770; 1000 Genomes Project 0.02895; 1000 Genomes Project 30x 0.03154.
gnomAD v4.1: 3,718 of 152,250 alleles (2.4%); highest among the groups gnomAD compares: African/African-American, 8.4%; 191 homozygotes.

Submission:

GeneDx
Classification: Benign. Last evaluated: 2018-06-14. Review status: criteria provided, single submitter. Criteria: GeneDx Variant Classification (06012015). Collection method: clinical testing. Allele origin: germline. Affected: yes.
Comment: This variant is considered likely benign or benign based on one or more of the following criteria: it is a conservative change, it occurs at a poorly conserved position in the protein, it is predicted to be benign by multiple in silico algorithms, and/or has population frequency not consistent with disease.

NM_001844.5(COL2A1):c.2733+209C>T

Gene: COL2A1 (collagen type II alpha 1 chain; minus strand). Cytogenetic location: 12q13.11.
Variant type: single nucleotide variant.
Coding change: c.2733+209C>T on transcript NM_001844.5 (MANE Select); 209 bases into the intron after coding-DNA position 2733, C replaced by T.
Molecular consequence: intron variant.
Genome position (GRCh38, 1-based): chr12:47,979,302, G>A on the plus strand (C>T on the coding strand, the complement: COL2A1 is on the minus strand). VCF-style: chr12-47979302-G-A. GRCh37 (hg19) VCF-style: chr12-48373085-G-A.
Other names: c.2526+209C>T (NM_033150.3).
Identifiers: ClinVar variation 679445 (VCV000679445.1), dbSNP rs116357910, ClinGen allele CA236522347.